The following is an entry in ClinVar:

ClinVar aggregate classification (germline): Uncertain significance (1 of 4 stars; one submission).

Conditions:
Ehlers-Danlos syndrome, classic type, 1 (EDSCL1). Also called: EHLERS-DANLOS SYNDROME, GRAVIS TYPE; EHLERS-DANLOS SYNDROME, SEVERE CLASSIC TYPE; Ehlers-Danlos syndrome, type 1; Ehlers-Danlos Syndrome, Classic Type, COL5A1-Related; EDS I. Identifiers: MedGen C0268335, MONDO:0019567, OMIM 130000.
Osteogenesis imperfecta type I (OI1). Also called: OI, TYPE I; OSTEOGENESIS IMPERFECTA TARDA; OSTEOGENESIS IMPERFECTA WITH BLUE SCLERAE; Osteogenesis imperfecta type 1; Lobstein's Disease; Lobstein disease. Identifiers: Orphanet 216796, Orphanet 666, MedGen C0023931, MONDO:0008146, OMIM 166200. Disease mechanism: loss of function.

Submission:

Labcorp Genetics (formerly Invitae), Labcorp
Classification: Uncertain significance for Osteogenesis imperfecta type I; Ehlers-Danlos syndrome, classic type, 1. Last evaluated: 2025-11-13. Review status: criteria provided, single submitter. Criteria: Invitae Variant Classification Sherloc (09022015). Collection method: clinical testing. Allele origin: germline.
Comment: This sequence change replaces alanine, which is neutral and non-polar, with threonine, which is neutral and polar, at codon 483 of the COL1A2 protein (p.Ala483Thr). Information on the frequency of this variant in the gnomAD database is not available, as this variant may be reported differently in the database. This variant has not been reported in the literature in individuals affected with COL1A2-related conditions. ClinVar contains an entry for this variant (Variation ID: 1507707). Experimental studies and prediction algorithms are not available or were not evaluated, and the functional significance of this variant is currently unknown. In summary, the available evidence is currently insufficient to determine the role of this variant in disease. Therefore, it has been classified as a Variant of Uncertain Significance.

NM_000089.4(COL1A2):c.1446_1447delinsCA (p.Ala483Thr)

Gene: COL1A2 (collagen type I alpha 2 chain; plus strand). Cytogenetic location: 7q21.3.
Variant type: Indel.
Coding change: c.1446_1447delinsCA on transcript NM_000089.4 (MANE Select); coding-DNA positions 1446 to 1447, AG replaced by CA.
Protein change: p.Ala483Thr; replaces alanine 483 with threonine.
Molecular consequence: missense variant.
Genome position (GRCh38, 1-based): chr7:94,412,625-94,412,626, AG replaced by CA. VCF-style: chr7-94412625-AG-CA. GRCh37 (hg19) VCF-style: chr7-94041937-AG-CA.
Other names: short protein forms A483T.
Identifiers: ClinVar variation 1507707 (VCV001507707.6), dbSNP rs2115904550, ClinGen allele CA2573142431.